The following is an entry in ClinVar:

NM_014249.4(NR2E3):c.*567C>A

Gene: NR2E3 (nuclear receptor subfamily 2 group E member 3; plus strand). Cytogenetic location: 15q23.
Variant type: single nucleotide variant.
Coding change: c.*567C>A on transcript NM_014249.4 (MANE Select); 567 bases downstream of the stop codon, C replaced by A.
Molecular consequence: 3 prime UTR variant.
Genome position (GRCh38, 1-based): chr15:71,818,251, C>A. VCF-style: chr15-71818251-C-A. GRCh37 (hg19) VCF-style: chr15-72110592-C-A.
Identifiers: ClinVar variation 887402 (VCV000887402.5), dbSNP rs71395043, ClinGen allele CA272576558.

ClinVar aggregate classification (germline): Benign/Likely benign. Review status: criteria provided, multiple submitters, no conflicts (2 of 4 stars). 3 submissions from 2 submitters: Benign (1); Likely benign (2). Last evaluated 2018-01-13.

Conditions:
Retinitis pigmentosa 37 (RP37). Identifiers: Orphanet 791, MedGen C1970163, MONDO:0012625, OMIM 611131.
Retinitis pigmentosa (RP). Identifiers: Orphanet 791, MedGen C0035334, MeSH D012174, MONDO:0019200, OMIM 268000. Inheritance: Autosomal dominant, autosomal recessive and X linked inheritance.

Allele frequency attached by ClinVar (database versions not stated): 1000 Genomes Project 30x 0.01421; 1000 Genomes Project 0.01518; gnomAD 0.01822 and 0.01879; TOPMed 0.01933; gnomAD exomes 0.04545.

Submissions (3):

Illumina Laboratory Services, Illumina
Classification: Benign for Retinitis pigmentosa. Last evaluated: 2018-01-13. Review status: criteria provided, single submitter. Criteria: ICSL Variant Classification Criteria 13 December 2019. Collection method: clinical testing. Allele origin: germline.
Comment: This variant was observed in the ICSL laboratory as part of a predisposition screen in an ostensibly healthy population. It had not been previously curated by ICSL or reported in the Human Gene Mutation Database (HGMD: prior to June 1st, 2018), and was therefore a candidate for classification through an automated scoring system. Utilizing variant allele frequency, disease prevalence and penetrance estimates, and inheritance mode, an automated score was calculated to assess if this variant is too frequent to cause the disease. Based on the score and internal cut-off values, a variant classified as benign is not then subjected to further curation. The score for this variant resulted in a classification of benign for this disease.

Illumina Laboratory Services, Illumina
Classification: Likely benign for Retinitis pigmentosa 37. Last evaluated: 2017-05-16. Review status: criteria provided, single submitter. Criteria: ICSL Variant Classification Criteria 13 December 2019. Collection method: clinical testing. Allele origin: germline.
Comment: This variant was observed as part of a predisposition screen in an ostensibly healthy population. A literature search was performed for the gene, cDNA change, and amino acid change (where applicable). No publications were found based on this search. Allele frequency data from public databases allowed determination this variant is unlikely to cause disease. Therefore, this variant is classified as likely benign.

Breakthrough Genomics
Classification: Likely benign. Review status: criteria provided, single submitter. Criteria: ACMG Guidelines, 2015. Collection method: not provided. Allele origin: germline. Inheritance: Autosomal recessive inheritance. Affected: yes.